The following is an entry in ClinVar:

NM_004385.5(VCAN):c.5845G>T (p.Ala1949Ser)

Genes: VCAN (versican; plus strand), VCAN-AS1 (VCAN antisense RNA 1; minus strand). Cytogenetic location: 5q14.3.
Variant type: single nucleotide variant.
Coding change: c.5845G>T on transcript NM_004385.5 (MANE Select); coding-DNA position 5845, G replaced by T.
Protein change: p.Ala1949Ser; replaces alanine 1949 with serine.
Molecular consequence: missense variant. On other transcripts: intron variant (2).
Genome position (GRCh38, 1-based): chr5:83,538,848, G>T. VCF-style: chr5-83538848-G-T. GRCh37 (hg19) VCF-style: chr5-82834667-G-T.
Other names: c.2884G>T, p.Ala962Ser (NM_001164097.2); c.4004-6689G>T (NM_001164098.2); c.1043-6689G>T (NM_001126336.3); short protein forms A1949S, A962S.
Identifiers: ClinVar variation 2067783 (VCV002067783.4), dbSNP rs749779730, ClinGen allele CA360311276.

ClinVar aggregate classification (germline): Uncertain significance (1 of 4 stars; one submission).

Submission:

Labcorp Genetics (formerly Invitae), Labcorp
Classification: Uncertain significance. Last evaluated: 2022-08-16. Review status: criteria provided, single submitter. Criteria: Invitae Variant Classification Sherloc (09022015). Collection method: clinical testing. Allele origin: germline.
Comment: In summary, the available evidence is currently insufficient to determine the role of this variant in disease. Therefore, it has been classified as a Variant of Uncertain Significance. Algorithms developed to predict the effect of missense changes on protein structure and function (SIFT, PolyPhen-2, Align-GVGD) all suggest that this variant is likely to be tolerated. This variant has not been reported in the literature in individuals affected with VCAN-related conditions. This variant is not present in population databases (gnomAD no frequency). This sequence change replaces alanine, which is neutral and non-polar, with serine, which is neutral and polar, at codon 1949 of the VCAN protein (p.Ala1949Ser).